The following is an entry in ClinVar:

NM_004046.6(ATP5F1A):c.1430-11T>C

Gene: ATP5F1A (ATP synthase F1 subunit alpha; minus strand). Cytogenetic location: 18q21.1.
Variant type: single nucleotide variant.
Coding change: c.1430-11T>C on transcript NM_004046.6 (MANE Select); 11 bases into the intron before coding-DNA position 1430, T replaced by C.
Molecular consequence: intron variant.
Genome position (GRCh38, 1-based): chr18:46,084,665, A>G on the plus strand (T>C on the coding strand, the complement: ATP5F1A is on the minus strand). VCF-style: chr18-46084665-A-G. GRCh37 (hg19) VCF-style: chr18-43664631-A-G.
Other names: c.1430-11T>C (NM_001001937.2); c.1364-11T>C (NM_001257334.2); c.1280-11T>C (NM_001001935.3, NM_001257335.2).
Identifiers: ClinVar variation 3731142 (VCV003731142.1).

ClinVar aggregate classification (germline): Uncertain significance (1 of 4 stars; one submission).

Submission:

GeneDx
Classification: Uncertain significance. Last evaluated: 2024-08-14. Review status: criteria provided, single submitter. Criteria: GeneDx Variant Classification Process June 2021. Collection method: clinical testing. Allele origin: germline. Affected: yes.
Comment: In silico analysis indicates that this variant does not alter splicing; Has not been previously published as pathogenic or benign to our knowledge